The following is an entry in ClinVar:

ClinVar aggregate classification (germline): Uncertain significance (1 of 4 stars; one submission).

Conditions:
Cardiovascular phenotype. Identifiers: MedGen CN230736.

Submission:

Ambry Genetics
Classification: Uncertain significance for Cardiovascular phenotype. Last evaluated: 2026-01-14. Review status: criteria provided, single submitter. Criteria: Ambry Variant Classification Scheme 2023. Collection method: clinical testing. Allele origin: germline.
Comment: The p.L112Q variant (also known as c.335T>A), located in coding exon 3 of the ENG gene, results from a T to A substitution at nucleotide position 335. The leucine at codon 112 is replaced by glutamine, an amino acid with dissimilar properties. This amino acid position is conserved. In addition, this alteration is predicted to be tolerated by in silico analysis. Based on the available evidence, the clinical significance of this variant remains unclear.

NM_001114753.3(ENG):c.335T>A (p.Leu112Gln)

Gene: ENG (endoglin; minus strand). Cytogenetic location: 9q34.11.
Variant type: single nucleotide variant.
Coding change: c.335T>A on transcript NM_001114753.3 (MANE Select); coding-DNA position 335, T replaced by A.
Protein change: p.Leu112Gln; replaces leucine 112 with glutamine.
Molecular consequence: missense variant. On other transcripts: 5 prime UTR variant (1).
Genome position (GRCh38, 1-based): chr9:127,829,712, A>T on the plus strand (T>A on the coding strand, the complement: ENG is on the minus strand). VCF-style: chr9-127829712-A-T. GRCh37 (hg19) VCF-style: chr9-130591991-A-T.
Other names: c.335T>A, p.Leu112Gln (NM_000118.4, NM_001406715.1); c.-212T>A (NM_001278138.2); short protein forms L112Q.
Identifiers: ClinVar variation 4843467 (VCV004843467.1).